The following is an entry in ClinVar:

ClinVar aggregate classification (germline): Pathogenic (1 of 4 stars; one submission).

Conditions:
Ataxia-telangiectasia syndrome (AT). Also called: ATAXIA-TELANGIECTASIA, COMPLEMENTATION GROUP A; ATAXIA-TELANGIECTASIA, FRESNO VARIANT; Ataxia-telangiectasia; Ataxia-telangiectasia, complementation group E; Ataxia telangiectasia (A-T); LOUIS-BAR SYNDROME. Identifiers: Orphanet 100, MedGen C0004135, MONDO:0008840, OMIM 208900.

Submission:

Labcorp Genetics (formerly Invitae), Labcorp
Classification: Pathogenic for Ataxia-telangiectasia syndrome. Last evaluated: 2024-11-03. Review status: criteria provided, single submitter. Criteria: Invitae Variant Classification Sherloc (09022015). Collection method: clinical testing. Allele origin: germline.
Comment: This sequence change creates a premature translational stop signal (p.Thr784Asnfs*4) in the ATM gene. It is expected to result in an absent or disrupted protein product. Loss-of-function variants in ATM are known to be pathogenic (PMID: 23807571, 25614872). This variant is not present in population databases (gnomAD no frequency). This variant has not been reported in the literature in individuals affected with ATM-related conditions. For these reasons, this variant has been classified as Pathogenic.

Literature cited by the submitters: PubMed 23807571; PubMed 25614872.

NM_000051.4(ATM):c.2351del (p.Thr784fs)

Gene: ATM (ATM serine/threonine kinase; plus strand). Cytogenetic location: 11q22.3.
Variant type: Deletion.
Coding change: c.2351del on transcript NM_000051.4 (MANE Select); coding-DNA position 2351, one base deleted (C; older notation c.2351delC).
Protein change: p.Thr784fs; shifts the reading frame from threonine 784.
Molecular consequence: frameshift variant.
Genome position (GRCh38, 1-based): chr11:108,257,581, C deleted. VCF-style (leftmost placement, unchanged base first): chr11-108257580-AC-A. GRCh37 (hg19) VCF-style: chr11-108128307-AC-A.
Other names: c.2351del, p.Thr784fs (NM_001351834.2); short protein forms T784fs.
Identifiers: ClinVar variation 3724497 (VCV003724497.2).